The following is an entry in ClinVar:

ClinVar aggregate classification (germline): Benign/Likely benign. Review status: criteria provided, multiple submitters, no conflicts (2 of 4 stars). 3 submissions from 3 submitters: Benign (1); Likely benign (1). 1 of the submissions does not count toward it. Last evaluated 2025-08-02.

Conditions:
JAG2-related disorder. Also called: JAG2-related condition.

Allele frequency attached by ClinVar (database versions not stated): gnomAD exomes 0.00031 and 0.00072; 1000 Genomes Project 0.00140; ExAC 0.00140; 1000 Genomes Project 30x 0.00172; gnomAD 0.00241 and 0.00259; ESP Exome Variant Server 0.00295; TOPMed 0.00297.
gnomAD v4.1: 828 of 1,601,026 alleles (0.052%); highest among the groups gnomAD compares: African/African-American, 0.92%; 6 homozygotes.

Submissions (3):

Ambry Genetics
Classification: Likely benign. Last evaluated: 2025-08-02. Review status: criteria provided, single submitter. Criteria: Ambry Variant Classification Scheme 2023. Collection method: clinical testing. Allele origin: germline.

Labcorp Genetics (formerly Invitae), Labcorp
Classification: Benign. Last evaluated: 2018-05-24. Review status: criteria provided, single submitter. Criteria: Invitae Variant Classification Sherloc (09022015). Collection method: clinical testing. Allele origin: germline.

PreventionGenetics, part of Exact Sciences
Classification: Benign for JAG2-related condition. Last evaluated: 2019-12-16. Review status: no assertion criteria provided. Collection method: clinical testing. Allele origin: germline. Not counted in ClinVar's aggregate classification.
Comment: This variant is classified as benign based on ACMG/AMP sequence variant interpretation guidelines (Richards et al. 2015 PMID: 25741868, with internal and published modifications).

NM_002226.5(JAG2):c.3703G>A (p.Ala1235Thr)

Gene: JAG2 (jagged canonical Notch ligand 2; minus strand). Cytogenetic location: 14q32.33.
Variant type: single nucleotide variant.
Coding change: c.3703G>A on transcript NM_002226.5 (MANE Select); coding-DNA position 3703, G replaced by A.
Protein change: p.Ala1235Thr; replaces alanine 1235 with threonine.
Molecular consequence: missense variant.
Genome position (GRCh38, 1-based): chr14:105,142,709, C>T on the plus strand (G>A on the coding strand, the complement: JAG2 is on the minus strand). VCF-style: chr14-105142709-C-T. GRCh37 (hg19) VCF-style: chr14-105609046-C-T.
Other names: c.3589G>A, p.Ala1197Thr (NM_145159.3); c.3703G>A (NM_002226.3); short protein forms A1235T, A1197T.
Identifiers: ClinVar variation 725844 (VCV000725844.6), dbSNP rs199682063, ClinGen allele CA7385100.